The following is an entry in ClinVar:

NM_006268.5(DPF2):c.261C>G (p.Pro87=)

Gene: DPF2 (double PHD fingers 2; plus strand). Cytogenetic location: 11q13.1.
Variant type: single nucleotide variant.
Coding change: c.261C>G on transcript NM_006268.5 (MANE Select); coding-DNA position 261, C replaced by G.
Protein change: p.Pro87=; no amino-acid change (proline 87 retained).
Molecular consequence: synonymous variant.
Genome position (GRCh38, 1-based): chr11:65,341,033, C>G. VCF-style: chr11-65341033-C-G. GRCh37 (hg19) VCF-style: chr11-65108504-C-G.
Other names: c.261C>G, p.Pro87= (NM_001330308.2).
Identifiers: ClinVar variation 4823455 (VCV004823455.4).

ClinVar aggregate classification (germline): Likely benign (1 of 4 stars; one submission).

Submission:

CeGaT Center for Human Genetics Tuebingen
Classification: Likely benign. Last evaluated: 2026-02-01. Review status: criteria provided, single submitter. Criteria: CeGaT Center For Human Genetics Tuebingen Variant Classification Criteria Version 2. Collection method: clinical testing. Allele origin: germline. Affected: yes. Observed: 1 variant allele.
Comment: DPF2: BP4, BP7